The following is an entry in ClinVar:

NM_206926.2(SELENON):c.1010G>A (p.Gly337Asp)

Gene: SELENON (selenoprotein N; plus strand). Cytogenetic location: 1p36.11.
Variant type: single nucleotide variant.
Coding change: c.1010G>A on transcript NM_206926.2 (MANE Select); coding-DNA position 1010, G replaced by A.
Protein change: p.Gly337Asp; replaces glycine 337 with aspartic acid.
Molecular consequence: missense variant.
Genome position (GRCh38, 1-based): chr1:25,811,710, G>A. VCF-style: chr1-25811710-G-A. GRCh37 (hg19) VCF-style: chr1-26138201-G-A.
Other names: NM_020451.3(SELENON):c.1112G>A; c.1112G>A, p.Gly371Asp (NM_020451.3); short protein forms G371D, G337D.
Identifiers: ClinVar variation 586530 (VCV000586530.53), dbSNP rs745886248, ClinGen allele CA696769.
Genomic context (GRCh38, chr1:25,811,710, plus strand): 5'-CCATCTCTGAGCCTTCCCCCTACCACTGACCTCTGGCCCAGATGGAGCTGGAGGCCACGG[G>A]CCCCTCTGTGCCCTCCGTGATCCTGGATGAGGATGGCAGCATGATCGACAGCCACCTGCC-3'
Protein context (NP_996809.1, residues 327-347): YIPQMELEAT[Gly337Asp]PSVPSVILDE

ClinVar aggregate classification (germline): Conflicting classifications of pathogenicity. Review status: criteria provided, conflicting classifications (1 of 4 stars). 7 submissions from 7 submitters: Likely pathogenic (1); Uncertain significance (6). Last evaluated 2025-10-18.

Conditions:
Eichsfeld type congenital muscular dystrophy (CMYO3). Also called: SELENON-related myopathy; Congenital myopathy 3 with rigid spine; MYOPATHY, SEPN1-RELATED; Rigid spine muscular dystrophy 1. Identifiers: MedGen C0410180, MONDO:0100100, OMIM 602771.
Congenital myopathy with fiber type disproportion. Also called: Congenital fiber-type disproportion myopathy; Congenital fiber-type disproportion. Identifiers: Orphanet 2020, MedGen C0546264, MONDO:0009711. Inheritance: all.

Submissions (7):

Labcorp Genetics (formerly Invitae), Labcorp
Classification: Uncertain significance for Eichsfeld type congenital muscular dystrophy. Last evaluated: 2025-10-18. Review status: criteria provided, single submitter. Criteria: Invitae Variant Classification Sherloc (09022015). Collection method: clinical testing. Allele origin: germline.
Comment: This sequence change replaces glycine, which is neutral and non-polar, with aspartic acid, which is acidic and polar, at codon 371 of the SELENON protein (p.Gly371Asp). The frequency data for this variant in the population databases is considered unreliable, as metrics indicate poor data quality at this position in the gnomAD database. This variant has not been reported in the literature in individuals affected with SELENON-related conditions. ClinVar contains an entry for this variant (Variation ID: 586530). An algorithm developed to predict the effect of missense changes on protein structure and function (PolyPhen-2) suggests that this variant is likely to be disruptive. In summary, the available evidence is currently insufficient to determine the role of this variant in disease. Therefore, it has been classified as a Variant of Uncertain Significance.

Centre of Medical Genetics, University Hospital Muenster
Classification: Uncertain significance. Last evaluated: 2023-07-20. Review status: criteria provided, single submitter. Criteria: ACMG Guidelines, 2015. Collection method: clinical testing. Allele origin: unknown. Affected: yes. Observed: 1 variant allele, 1 heterozygote.
Comment: ACMG categories: PM2,BP1

GeneDx
Classification: Uncertain significance. Last evaluated: 2023-05-08. Review status: criteria provided, single submitter. Criteria: GeneDx Variant Classification Process June 2021. Collection method: clinical testing. Allele origin: germline. Affected: yes.
Comment: Not observed at significant frequency in large population cohorts (gnomAD); In silico analysis supports that this missense variant has a deleterious effect on protein structure/function; Has not been previously published as pathogenic or benign to our knowledge

Broad Center for Mendelian Genomics, Broad Institute of MIT and Harvard
Classification: Uncertain significance. Last evaluated: 2023-01-24. Review status: criteria provided, single submitter. Criteria: ACMG Guidelines, 2015. Collection method: curation. Allele origin: germline. Inheritance: Autosomal recessive inheritance.
Comment: The p.Gly371Asp variant in SELENON has not been previously reported in the literature in individuals with SELENON-RM but has been identified in 0.003% (1/32300) of Latino/Admixed American chromosomes by the Genome Aggregation Database (gnomAD; dbSNP ID: rs745886248). Although this variant has been seen in the general population in a heterozygous state, its frequency is low enough to be consistent with a recessive carrier frequency. This variant has also been reported in ClinVar (Variation ID#: 586530) and has been interpreted as a variant of uncertain significance by Athena Diagnostics Inc and CeGaT Praxis fuer Humangenetik Tuebingen and likely pathogenic by the Undiagnosed Diseases Network (NIH). Computational prediction tools and conservation analyses suggest that this variant may impact the protein, though this information is not predictive enough to determine pathogenicity. In summary, the clinical significance of the p.Gly371Asp variant is uncertain. ACMG/AMP Criteria applied: PP3, PM2_supporting (Richards 2015).

CeGaT Center for Human Genetics Tuebingen
Classification: Uncertain significance. Last evaluated: 2019-10-01. Review status: criteria provided, single submitter. Criteria: CeGaT Center For Human Genetics Tuebingen Variant Classification Criteria Version 2. Collection method: clinical testing. Allele origin: germline. Affected: yes. Observed: 1 variant allele.

Undiagnosed Diseases Network, NIH
Classification: Likely pathogenic for Eichsfeld type congenital muscular dystrophy; Congenital myopathy 4A, autosomal dominant. Last evaluated: 2019-05-06. Review status: criteria provided, single submitter. Criteria: ACMG Guidelines, 2015. Collection method: clinical testing. Allele origin: unknown. Inheritance: Autosomal recessive inheritance. Affected: yes. Observed: 1 variant allele, 1 compound heterozygote. Study: Undiagnosed Diseases Network (NIH), UDN.

Athena Diagnostics
Classification: Uncertain significance. Last evaluated: 2017-10-04. Review status: criteria provided, single submitter. Criteria: Athena Diagnostics Criteria. Collection method: clinical testing. Allele origin: germline.